The following is an entry in ClinVar:

NM_000196.4(HSD11B2):c.83_177del (p.Leu28fs)

Gene: HSD11B2 (hydroxysteroid 11-beta dehydrogenase 2; plus strand). Cytogenetic location: 16q22.1.
Variant type: Deletion.
Coding change: c.83_177del on transcript NM_000196.4 (MANE Select); coding-DNA positions 83 to 177, 95 bases deleted.
Protein change: p.Leu28fs; shifts the reading frame from leucine 28.
Molecular consequence: frameshift variant.
Genome position (GRCh38, 1-based): chr16:67,431,331-67,431,425, 95 bases deleted. GRCh37 (hg19): chr16:67,465,234-67,465,328.
Other names: short protein forms L28fs.
Identifiers: ClinVar variation 2033856 (VCV002033856.4), dbSNP rs2040931363, ClinGen allele CA978423035.

ClinVar aggregate classification (germline): Pathogenic (1 of 4 stars; one submission).

Submission:

Labcorp Genetics (formerly Invitae), Labcorp
Classification: Pathogenic. Last evaluated: 2022-10-03. Review status: criteria provided, single submitter. Criteria: Invitae Variant Classification Sherloc (09022015). Collection method: clinical testing. Allele origin: germline.
Comment: For these reasons, this variant has been classified as Pathogenic. This variant has not been reported in the literature in individuals affected with HSD11B2-related conditions. This variant is not present in population databases (gnomAD no frequency). This sequence change creates a premature translational stop signal (p.Leu28Argfs*32) in the HSD11B2 gene. It is expected to result in an absent or disrupted protein product. Loss-of-function variants in HSD11B2 are known to be pathogenic (PMID: 12860834, 15134813, 17314322).

Literature cited by the submitters: PubMed 12860834; PubMed 15134813; PubMed 17314322.